The following is an entry in ClinVar:

NM_000455.5(STK11):c.1151G>T (p.Arg384Leu)

Gene: STK11 (serine/threonine kinase 11; plus strand). Cytogenetic location: 19p13.3.
Variant type: single nucleotide variant.
Coding change: c.1151G>T on transcript NM_000455.5 (MANE Select); coding-DNA position 1151, G replaced by T.
Protein change: p.Arg384Leu; replaces arginine 384 with leucine.
Molecular consequence: missense variant.
Genome position (GRCh38, 1-based): chr19:1,226,496, G>T. VCF-style: chr19-1226496-G-T. GRCh37 (hg19) VCF-style: chr19-1226495-G-T.
Other names: short protein forms R384L.
Identifiers: ClinVar variation 646005 (VCV000646005.8), dbSNP rs371102112, ClinGen allele CA402953387.

ClinVar aggregate classification (germline): Uncertain significance (1 of 4 stars; one submission).

Conditions:
Peutz-Jeghers syndrome (PJS). Also called: POLYPOSIS, HAMARTOMATOUS INTESTINAL; POLYPS-AND-SPOTS SYNDROME; Peutz-Jeghers polyposis; Periorificial lentiginosis syndrome. Identifiers: Orphanet 2869, MedGen C0031269, MeSH D010580, MONDO:0008280, OMIM 175200.

Submission:

Labcorp Genetics (formerly Invitae), Labcorp
Classification: Uncertain significance for Peutz-Jeghers syndrome. Last evaluated: 2018-11-23. Review status: criteria provided, single submitter. Criteria: Invitae Variant Classification Sherloc (09022015). Collection method: clinical testing. Allele origin: germline.
Comment: In summary, the available evidence is currently insufficient to determine the role of this variant in disease. Therefore, it has been classified as a Variant of Uncertain Significance. Algorithms developed to predict the effect of missense changes on protein structure and function output the following: SIFT: "Tolerated"; PolyPhen-2: "Benign"; Align-GVGD: "Class C0". The leucine amino acid residue is found in multiple mammalian species, suggesting that this missense change does not adversely affect protein function. These predictions have not been confirmed by published functional studies and their clinical significance is uncertain. This variant has not been reported in the literature in individuals with STK11-related conditions. This variant is not present in population databases (ExAC no frequency). This sequence change replaces arginine with leucine at codon 384 of the STK11 protein (p.Arg384Leu). The arginine residue is weakly conserved and there is a moderate physicochemical difference between arginine and leucine.